The following is an entry in ClinVar:

NM_006440.5(TXNRD2):c.1124G>T (p.Gly375Val)

Gene: TXNRD2 (thioredoxin reductase 2; minus strand). Cytogenetic location: 22q11.21.
Variant type: single nucleotide variant.
Coding change: c.1124G>T on transcript NM_006440.5 (MANE Select); coding-DNA position 1124, G replaced by T.
Protein change: p.Gly375Val; replaces glycine 375 with valine.
Molecular consequence: missense variant. On other transcripts: non-coding transcript variant (1).
Genome position (GRCh38, 1-based): chr22:19,880,680, C>A on the plus strand (G>T on the coding strand, the complement: TXNRD2 is on the minus strand). VCF-style: chr22-19880680-C-A. GRCh37 (hg19) VCF-style: chr22-19868203-C-A.
Other names: c.1121G>T, p.Gly374Val (NM_001352300.2); c.1034G>T, p.Gly345Val (NM_001352301.2); c.836G>T, p.Gly279Val (NM_001352302.2); short protein forms G374V, G345V, G375V, G279V.
Identifiers: ClinVar variation 1798736 (VCV001798736.5), dbSNP rs1294156190, ClinGen allele CA410681989.

ClinVar aggregate classification (germline): Uncertain significance. Review status: criteria provided, multiple submitters, no conflicts (2 of 4 stars). 2 submissions from 2 submitters: Uncertain significance (2). Last evaluated 2025-10-23.

Conditions:
Cardiovascular phenotype. Identifiers: MedGen CN230736.
Primary dilated cardiomyopathy (DCM). Also called: Dilated Cardiomyopathy. Identifiers: Orphanet 217604, MedGen C0007193, MeSH D002311, MONDO:0005021, HP:0001644. Inheritance: Various modes of inheritance.

gnomAD v4.1: 1 of 1,613,358 alleles (0.000062%); highest among the groups gnomAD compares: Non-Finnish European, 0.000085%; no homozygotes.

Submissions (2):

Labcorp Genetics (formerly Invitae), Labcorp
Classification: Uncertain significance for Primary dilated cardiomyopathy. Last evaluated: 2025-10-23. Review status: criteria provided, single submitter. Criteria: Invitae Variant Classification Sherloc (09022015). Collection method: clinical testing. Allele origin: germline.
Comment: This sequence change replaces glycine, which is neutral and non-polar, with valine, which is neutral and non-polar, at codon 375 of the TXNRD2 protein (p.Gly375Val). This variant is not present in population databases (gnomAD no frequency). This variant has not been reported in the literature in individuals affected with TXNRD2-related conditions. ClinVar contains an entry for this variant (Variation ID: 1798736). Invitae Evidence Modeling of protein sequence and biophysical properties (such as structural, functional, and spatial information, amino acid conservation, physicochemical variation, residue mobility, and thermodynamic stability) indicates that this missense variant is expected to disrupt TXNRD2 protein function with a positive predictive value of 80%. In summary, the available evidence is currently insufficient to determine the role of this variant in disease. Therefore, it has been classified as a Variant of Uncertain Significance.

Ambry Genetics
Classification: Uncertain significance for Cardiovascular phenotype. Last evaluated: 2024-03-27. Review status: criteria provided, single submitter. Criteria: Ambry Variant Classification Scheme 2023. Collection method: clinical testing. Allele origin: germline.
Comment: The p.G375V variant (also known as c.1124G>T), located in coding exon 13 of the TXNRD2 gene, results from a G to T substitution at nucleotide position 1124. The glycine at codon 375 is replaced by valine, an amino acid with dissimilar properties. This amino acid position is conserved. In addition, this alteration is predicted to be deleterious by in silico analysis. Since supporting evidence is limited at this time, the clinical significance of this alteration remains unclear.